The following is an entry in ClinVar:

NM_007272.3(CTRC):c.173C>T (p.Thr58Met)

Gene: CTRC (chymotrypsin C; plus strand). Cytogenetic location: 1p36.21.
Variant type: single nucleotide variant.
Coding change: c.173C>T on transcript NM_007272.3 (MANE Select); coding-DNA position 173, C replaced by T.
Protein change: p.Thr58Met; replaces threonine 58 with methionine.
Molecular consequence: missense variant.
Genome position (GRCh38, 1-based): chr1:15,440,533, C>T. VCF-style: chr1-15440533-C-T. GRCh37 (hg19) VCF-style: chr1-15767029-C-T.
Other names: short protein forms T58M.
Identifiers: ClinVar variation 1779166 (VCV001779166.10), dbSNP rs200910331, ClinGen allele CA613248.

ClinVar aggregate classification (germline): Uncertain significance. Review status: criteria provided, multiple submitters, no conflicts (2 of 4 stars). 3 submissions from 3 submitters: Uncertain significance (3). Last evaluated 2026-01-30.

Conditions:
Hereditary pancreatitis (PCTT). Also called: Hereditary chronic pancreatitis; PRSS1-Related Hereditary Pancreatitis. Identifiers: Orphanet 676, MedGen C0238339, MONDO:0008185, OMIM 167800.

Allele frequency attached by ClinVar (database versions not stated): gnomAD exomes 0.00002; TOPMed 0.00002; gnomAD 0.00003; ExAC 0.00004.

Submissions (3):

Department of Human Genetics, Hannover Medical School
Classification: Uncertain significance for Hereditary pancreatitis. Last evaluated: 2026-01-30. Review status: criteria provided, single submitter. Criteria: ACMG Guidelines, 2015. Collection method: clinical testing. Allele origin: germline. Inheritance: Autosomal dominant inheritance. Affected: yes.

Ambry Genetics
Classification: Uncertain significance for Hereditary pancreatitis. Last evaluated: 2025-10-12. Review status: criteria provided, single submitter. Criteria: Ambry Variant Classification Scheme 2023. Collection method: clinical testing. Allele origin: germline.
Comment: The p.T58M variant (also known as c.173C>T), located in coding exon 3 of the CTRC gene, results from a C to T substitution at nucleotide position 173. The threonine at codon 58 is replaced by methionine, an amino acid with similar properties. This variant was identified in one individual with late-onset recurrent acute pancreatitis (N&eacute;meth BC et al. Pancreas, 2019 02;48:e12-e14). In HEK293 cells, this variant demonstrated no difference in expression compared to wild type and was activated at same rate by trypsin (N&eacute;meth BC et al. Pancreas, 2019 02;48:e12-e14). This amino acid position is highly conserved in available vertebrate species. In addition, the in silico prediction for this alteration is inconclusive. Based on available evidence to date, the clinical significance of this alteration remains unclear.

Labcorp Genetics (formerly Invitae), Labcorp
Classification: Uncertain significance for Hereditary pancreatitis. Last evaluated: 2025-06-05. Review status: criteria provided, single submitter. Criteria: Invitae Variant Classification Sherloc (09022015). Collection method: clinical testing. Allele origin: germline.
Comment: This sequence change replaces threonine, which is neutral and polar, with methionine, which is neutral and non-polar, at codon 58 of the CTRC protein (p.Thr58Met). This variant is present in population databases (rs200910331, gnomAD 0.01%). This missense change has been observed in individual(s) with pancreatic cancer and/or pancreatitis (PMID: 30640231, 35171259). ClinVar contains an entry for this variant (Variation ID: 1779166). Invitae Evidence Modeling of protein sequence and biophysical properties (such as structural, functional, and spatial information, amino acid conservation, physicochemical variation, residue mobility, and thermodynamic stability) has been performed for this missense variant. However, the output from this modeling did not meet the statistical confidence thresholds required to predict the impact of this variant on CTRC protein function. Experimental studies have shown that this missense change does not substantially affect CTRC function (PMID: 30640231). In summary, the available evidence is currently insufficient to determine the role of this variant in disease. Therefore, it has been classified as a Variant of Uncertain Significance.

Literature cited by the submitters: PubMed 30640231 (cited by Ambry Genetics and Labcorp Genetics (formerly Invitae), Labcorp); PubMed 35171259 (cited by Labcorp Genetics (formerly Invitae), Labcorp).